The following is an entry in ClinVar:

NM_000090.4(COL3A1):c.1435C>G (p.Pro479Ala)

Gene: COL3A1 (collagen type III alpha 1 chain; plus strand). Cytogenetic location: 2q32.2.
Variant type: single nucleotide variant.
Coding change: c.1435C>G on transcript NM_000090.4 (MANE Select); coding-DNA position 1435, C replaced by G.
Protein change: p.Pro479Ala; replaces proline 479 with alanine.
Molecular consequence: missense variant.
Genome position (GRCh38, 1-based): chr2:188,994,811, C>G. VCF-style: chr2-188994811-C-G. GRCh37 (hg19) VCF-style: chr2-189859537-C-G.
Other names: short protein forms P479A.
Identifiers: ClinVar variation 3074389 (VCV003074389.1), dbSNP rs1425504057, ClinGen allele CA349851915.

ClinVar aggregate classification (germline): Uncertain significance (1 of 4 stars; one submission).

Conditions:
Ehlers-Danlos syndrome, type 4 (EDSVASC). Also called: Ehlers-Danlos Syndrome Type IV; Ehlers-Danlos syndrome vascular type; Ehlers Danlos syndrome, ecchymotic type; Ehlers Danlos syndrome, arterial type; Ehlers Danlos syndrome, Sack-Barabas type. Identifiers: Orphanet 286, MedGen C0268338, MONDO:0017314, OMIM 130050.

gnomAD v4.1: 5 of 1,613,300 alleles (0.00031%); highest among the groups gnomAD compares: Non-Finnish European, 0.00042%; no homozygotes.

Submission:

All of Us Research Program, National Institutes of Health
Classification: Uncertain significance for Ehlers-Danlos syndrome, type 4. Last evaluated: 2023-11-02. Review status: criteria provided, single submitter. Criteria: ACMG Guidelines, 2015. Collection method: clinical testing. Allele origin: germline. Inheritance: Autosomal dominant inheritance. Observed: 1 variant allele, 1 heterozygote.
Comment: This missense variant replaces proline with alanine at codon 479 of the COL3A1 protein. Computational prediction suggests that this variant may not impact protein structure and function (internally defined REVEL score threshold <= 0.5, PMID: 27666373). To our knowledge, functional studies have not been reported for this variant. This variant has not been reported in individuals affected with COL3A1-related disorders in the literature. This variant has not been identified in the general population by the Genome Aggregation Database (gnomAD). The available evidence is insufficient to determine the role of this variant in disease conclusively. Therefore, this variant is classified as a Variant of Uncertain Significance.

This study involves interpretation of variants in research participants for the purpose of population health screening. Participant phenotype was not available at the time of variant classification. Additional details can be found in publication PMID: 35346344, PMCID: PMC8962531